The following is an entry in ClinVar:

NM_199461.4(NANOS1):c.502GCC[3] (p.Ala171_Ala173del)

Gene: NANOS1 (nanos C2HC-type zinc finger 1; plus strand). Cytogenetic location: 10q26.11.
Variant type: Microsatellite.
Coding change: c.502GCC[3] on transcript NM_199461.4 (MANE Select); three copies in a row of the 3-base unit GCC starting at c.502; the reference has six copies in a row; three copies, 9 bases deleted.
Protein change: p.Ala171_Ala173del.
Genome position (GRCh38, 1-based): chr10:119,030,312-119,030,320, GCCGCCGCC deleted; deleting any 9 consecutive bases within chr10:119,030,301-119,030,320 gives the same sequence; the position shown is the placement nearest the transcript's 3' end. VCF-style (leftmost placement, unchanged base first): chr10-119030300-CCCGCCGCCG-C. GRCh37 (hg19) VCF-style: chr10-120789812-CCCGCCGCCG-C.
Identifiers: ClinVar variation 3042603 (VCV003042603.2), dbSNP rs538539239, ClinGen allele CA214154406.

ClinVar aggregate classification (germline): Likely benign (0 of 4 stars; one submission).

Conditions:
NANOS1-related disorder. Also called: NANOS1-related condition.

Submission:

PreventionGenetics, part of Exact Sciences
Classification: Likely benign for NANOS1-related condition. Last evaluated: 2023-12-19. Review status: no assertion criteria provided. Collection method: clinical testing. Allele origin: germline.
Comment: This variant is classified as likely benign based on ACMG/AMP sequence variant interpretation guidelines (Richards et al. 2015 PMID: 25741868, with internal and published modifications).